The following is an entry in ClinVar:

ClinVar aggregate classification (germline): Uncertain significance. Review status: criteria provided, multiple submitters, no conflicts (2 of 4 stars). 2 submissions from 2 submitters: Uncertain significance (2). Last evaluated 2023-08-03.

Conditions:
Hajdu-Cheney syndrome (HJCYS). Also called: SERPENTINE FIBULA-POLYCYSTIC KIDNEY SYNDROME; Acroosteolysis dominant type; ACROOSTEOLYSIS WITH OSTEOPOROSIS AND CHANGES IN SKULL AND MANDIBLE. Identifiers: Orphanet 955, MedGen C0917715, MONDO:0007057, OMIM 102500.
Alagille syndrome due to a NOTCH2 point mutation. Also called: Alagille syndrome 2. Identifiers: Orphanet 261629, Orphanet 52, MedGen C1857761, MONDO:0012439, OMIM 610205.

Allele frequency attached by ClinVar (database versions not stated): gnomAD exomes below 0.00001.
gnomAD v4.1: 1 of 1,614,186 alleles (0.000062%); highest among the groups gnomAD compares: East Asian, 0.0022%; no homozygotes.

Submissions (2):

3billion
Classification: Uncertain significance for Alagille syndrome due to a NOTCH2 point mutation. Last evaluated: 2023-08-03. Review status: criteria provided, single submitter. Criteria: ACMG Guidelines, 2015. Collection method: clinical testing. Allele origin: germline. Affected: yes.
Comment: The variant is not observed in the gnomAD v2.1.1 dataset. Predicted Consequence/Location: Missense variant Therefore, this variant is classified as VUS according to the recommendation of ACMG/AMP guideline.

Labcorp Genetics (formerly Invitae), Labcorp
Classification: Uncertain significance for Hajdu-Cheney syndrome. Last evaluated: 2023-02-14. Review status: criteria provided, single submitter. Criteria: Invitae Variant Classification Sherloc (09022015). Collection method: clinical testing. Allele origin: germline.
Comment: This sequence change replaces methionine, which is neutral and non-polar, with leucine, which is neutral and non-polar, at codon 896 of the NOTCH2 protein (p.Met896Leu). This variant is not present in population databases (gnomAD no frequency). This variant has not been reported in the literature in individuals affected with NOTCH2-related conditions. Advanced modeling of protein sequence and biophysical properties (such as structural, functional, and spatial information, amino acid conservation, physicochemical variation, residue mobility, and thermodynamic stability) performed at Invitae indicates that this missense variant is not expected to disrupt NOTCH2 protein function. In summary, the available evidence is currently insufficient to determine the role of this variant in disease. Therefore, it has been classified as a Variant of Uncertain Significance.

NM_024408.4(NOTCH2):c.2686A>C (p.Met896Leu)

Gene: NOTCH2 (notch receptor 2; minus strand). Cytogenetic location: 1p12.
Variant type: single nucleotide variant.
Coding change: c.2686A>C on transcript NM_024408.4 (MANE Select); coding-DNA position 2686, A replaced by C.
Protein change: p.Met896Leu; replaces methionine 896 with leucine.
Molecular consequence: missense variant.
Genome position (GRCh38, 1-based): chr1:119,948,480, T>G on the plus strand (A>C on the coding strand, the complement: NOTCH2 is on the minus strand). VCF-style: chr1-119948480-T-G. GRCh37 (hg19) VCF-style: chr1-120491103-T-G.
Other names: c.2686A>C, p.Met896Leu (NM_001200001.2); short protein forms M896L.
Identifiers: ClinVar variation 2993712 (VCV002993712.4), dbSNP rs2526231854, ClinGen allele CA341858471.